The following is an entry in ClinVar:

NM_181882.3(PRX):c.370G>A (p.Val124Met)

Gene: PRX (periaxin; minus strand). Cytogenetic location: 19q13.2.
Variant type: single nucleotide variant.
Coding change: c.370G>A on transcript NM_181882.3 (MANE Select); coding-DNA position 370, G replaced by A.
Protein change: p.Val124Met; replaces valine 124 with methionine.
Molecular consequence: missense variant.
Genome position (GRCh38, 1-based): chr19:40,398,631, C>T on the plus strand (G>A on the coding strand, the complement: PRX is on the minus strand). VCF-style: chr19-40398631-C-T. GRCh37 (hg19) VCF-style: chr19-40904538-C-T.
Other names: c.370G>A, p.Val124Met (NM_020956.2); short protein forms V124M.
Identifiers: ClinVar variation 959004 (VCV000959004.9), dbSNP rs2079464852, ClinGen allele CA405901053.

ClinVar aggregate classification (germline): Uncertain significance (1 of 4 stars; one submission).

Conditions:
Charcot-Marie-Tooth disease type 4. Also called: Charcot-Marie-Tooth disease, type IV; Charcot-Marie-Tooth, Type 4. Identifiers: Orphanet 64749, MedGen C4082197, MONDO:0018995.

Submission:

Labcorp Genetics (formerly Invitae), Labcorp
Classification: Uncertain significance for Charcot-Marie-Tooth disease type 4. Last evaluated: 2019-10-16. Review status: criteria provided, single submitter. Criteria: Invitae Variant Classification Sherloc (09022015). Collection method: clinical testing. Allele origin: germline.
Comment: In summary, the available evidence is currently insufficient to determine the role of this variant in disease. Therefore, it has been classified as a Variant of Uncertain Significance. Algorithms developed to predict the effect of missense changes on protein structure and function are either unavailable or do not agree on the potential impact of this missense change (SIFT: "Tolerated"; PolyPhen-2: "Possibly Damaging"; Align-GVGD: "Class C0"). This sequence change replaces valine with methionine at codon 124 of the PRX protein (p.Val124Met). The valine residue is moderately conserved and there is a small physicochemical difference between valine and methionine. This variant is not present in population databases (ExAC no frequency). This variant has not been reported in the literature in individuals with PRX-related conditions.